The following is an entry in ClinVar:

NM_001009944.3(PKD1):c.11030A>G (p.Tyr3677Cys)

Genes: PKD1 (polycystin 1, transient receptor potential channel interacting; minus strand), PKD1-AS1 (PKD1 antisense RNA 1; plus strand). Cytogenetic location: 16p13.3.
Variant type: single nucleotide variant.
Coding change: c.11030A>G on transcript NM_001009944.3 (MANE Select); coding-DNA position 11030, A replaced by G.
Protein change: p.Tyr3677Cys; replaces tyrosine 3677 with cysteine.
Molecular consequence: missense variant.
Genome position (GRCh38, 1-based): chr16:2,093,080, T>C on the plus strand (A>G on the coding strand, the complement: PKD1 is on the minus strand). VCF-style: chr16-2093080-T-C. GRCh37 (hg19) VCF-style: chr16-2143081-T-C.
Other names: c.11027A>G (NM_000296.3); c.11027A>G, p.Tyr3676Cys (NM_000296.4); short protein forms Y3676C, Y3677C.
Identifiers: ClinVar variation 1326459 (VCV001326459.4), dbSNP rs553106581, ClinGen allele CA7829324.
Genomic context (GRCh38, chr16:2,093,080, plus strand): 5'-TGCCCATGGCATGAGGCATCCCCATAGCTGGCCAGCAGGGTCACCAGCAGAAAAAGCATG[T>C]ACACCAGGAGGCTCTGGTGGACGGGGGGGCCCTGTGGTCAGCCTGGCCCCAGCCCACAGT-3'
Protein context (NP_001009944.3, residues 3667-3687): LHGMLRSLLV[Tyr3677Cys]MLFLLVTLLA

ClinVar aggregate classification (germline): Uncertain significance. Review status: criteria provided, multiple submitters, no conflicts (2 of 4 stars). 3 submissions from 3 submitters: Uncertain significance (3). Last evaluated 2023-12-09.

Conditions:
Inborn genetic diseases. Identifiers: MedGen C0950123, MeSH D030342.
Polycystic kidney disease, adult type (PKD1). Also called: Polycystic Kidney, Autosomal Dominant; POLYCYSTIC KIDNEY DISEASE, ADULT, TYPE I; Polycystic Kidney Disease 1, Autosomal Dominant; Polycystic kidney disease 1; Polycystic kidney disease 1, severe; POLYCYSTIC KIDNEY DISEASE 1 WITH OR WITHOUT POLYCYSTIC LIVER DISEASE. Identifiers: MedGen C3149841, MONDO:0008263, OMIM 173900.

Allele frequency attached by ClinVar (database versions not stated): gnomAD exomes 0.00001; ExAC 0.00002; gnomAD 0.00004 and 0.00006; TOPMed 0.00011; 1000 Genomes Project 30x 0.00016; 1000 Genomes Project 0.00020.

Submissions (3):

Ambry Genetics
Classification: Uncertain significance for Inborn genetic diseases. Last evaluated: 2023-12-09. Review status: criteria provided, single submitter. Criteria: Ambry Variant Classification Scheme 2023. Collection method: clinical testing. Allele origin: germline.

Fulgent Genetics
Classification: Uncertain significance for Polycystic kidney disease, adult type. Last evaluated: 2022-01-25. Review status: criteria provided, single submitter. Criteria: ACMG Guidelines, 2015. Collection method: clinical testing. Allele origin: unknown.

GeneDx
Classification: Uncertain significance. Last evaluated: 2021-05-24. Review status: criteria provided, single submitter. Criteria: GeneDx Variant Classification Process June 2021. Collection method: clinical testing. Allele origin: germline. Affected: yes.
Comment: Not observed at significant frequency in large population cohorts (Lek et al., 2016); In silico analysis supports that this missense variant has a deleterious effect on protein structure/function; Has not been previously published as pathogenic or benign to our knowledge